The following is an entry in ClinVar:

ClinVar aggregate classification (germline): Uncertain significance (1 of 4 stars; one submission).

Conditions:
Lethal congenital glycogen storage disease of heart. Also called: PHOSPHORYLASE KINASE DEFICIENCY OF HEART; GLYCOGEN STORAGE DISEASE OF HEART. Identifiers: Orphanet 439854, MedGen C1849813, MONDO:0009867, OMIM 261740.

Submission:

Labcorp Genetics (formerly Invitae), Labcorp
Classification: Uncertain significance for Lethal congenital glycogen storage disease of heart. Last evaluated: 2021-02-03. Review status: criteria provided, single submitter. Criteria: Invitae Variant Classification Sherloc (09022015). Collection method: clinical testing. Allele origin: germline.
Comment: In summary, the available evidence is currently insufficient to determine the role of this variant in disease. Therefore, it has been classified as a Variant of Uncertain Significance. Algorithms developed to predict the effect of missense changes on protein structure and function are either unavailable or do not agree on the potential impact of this missense change (SIFT: "Deleterious"; PolyPhen-2: "Benign"; Align-GVGD: "Class C0"). This variant has not been reported in the literature in individuals with PRKAG2-related conditions. This variant is not present in population databases (ExAC no frequency). This sequence change replaces aspartic acid with asparagine at codon 522 of the PRKAG2 protein (p.Asp522Asn). The aspartic acid residue is highly conserved and there is a small physicochemical difference between aspartic acid and asparagine.

NM_016203.4(PRKAG2):c.1564G>A (p.Asp522Asn)

Gene: PRKAG2 (protein kinase AMP-activated non-catalytic subunit gamma 2; minus strand). Cytogenetic location: 7q36.1.
Variant type: single nucleotide variant.
Coding change: c.1564G>A on transcript NM_016203.4 (MANE Select); coding-DNA position 1564, G replaced by A.
Protein change: p.Asp522Asn; replaces aspartic acid 522 with asparagine.
Molecular consequence: missense variant.
Genome position (GRCh38, 1-based): chr7:151,564,098, C>T on the plus strand (G>A on the coding strand, the complement: PRKAG2 is on the minus strand). VCF-style: chr7-151564098-C-T. GRCh37 (hg19) VCF-style: chr7-151261184-C-T.
Other names: c.1432G>A, p.Asp478Asn (NM_001040633.2); c.1189G>A, p.Asp397Asn (NM_001304527.2); c.841G>A, p.Asp281Asn (NM_001304531.2, NM_024429.2); c.1192G>A, p.Asp398Asn (NM_001363698.2); short protein forms D281N, D397N, D478N, D398N, D522N.
Identifiers: ClinVar variation 1493778 (VCV001493778.8), dbSNP rs199985555, ClinGen allele CA370070469.
Genomic context (GRCh38, chr7:151,564,098, plus strand): 5'-AGTGGACGTCGGGGGAGCAGGACTGGGAAAGCCGTCTCACCTCAGCTCTTACTATTCTGT[C>T]CACGATGGTCTCCAGTATTTCCAGCTTATTGCACTTCACAACACCTTCAAAATACTGTGA-3'
Protein context (NP_057287.2, residues 512-532): NKLEILETIV[Asp522Asn]RIVRAEVHRL